The following is an entry in ClinVar:

ClinVar aggregate classification (germline): Uncertain significance (1 of 4 stars; one submission).

Conditions:
Lysinuric protein intolerance (LPI). Identifiers: Orphanet 470, MedGen C0268647, MONDO:0009109, OMIM 222700.

Submission:

Labcorp Genetics (formerly Invitae), Labcorp
Classification: Uncertain significance for Lysinuric protein intolerance. Last evaluated: 2017-12-29. Review status: criteria provided, single submitter. Criteria: Invitae Variant Classification Sherloc (09022015). Collection method: clinical testing. Allele origin: germline.
Comment: This sequence change replaces isoleucine with threonine at codon 371 of the SLC7A7 protein (p.Ile371Thr). The isoleucine residue is weakly conserved and there is a moderate physicochemical difference between isoleucine and threonine. This variant is not present in population databases (ExAC no frequency). This variant has not been reported in the literature in individuals with SLC7A7-related disease. Algorithms developed to predict the effect of missense changes on protein structure and function do not agree on the potential impact of this missense change (SIFT: "Tolerated"; PolyPhen-2: "Possibly Damaging"; Align-GVGD: "Class C0"). In summary, the available evidence is currently insufficient to determine the role of this variant in disease. Therefore, it has been classified as a Variant of Uncertain Significance.

NM_003982.4(SLC7A7):c.1112T>C (p.Ile371Thr)

Gene: SLC7A7 (solute carrier family 7 member 7; minus strand). Cytogenetic location: 14q11.2.
Variant type: single nucleotide variant.
Coding change: c.1112T>C on transcript NM_003982.4 (MANE Select); coding-DNA position 1112, T replaced by C.
Protein change: p.Ile371Thr; replaces isoleucine 371 with threonine.
Molecular consequence: missense variant.
Genome position (GRCh38, 1-based): chr14:22,774,487, A>G on the plus strand (T>C on the coding strand, the complement: SLC7A7 is on the minus strand). VCF-style: chr14-22774487-A-G. GRCh37 (hg19) VCF-style: chr14-23243696-A-G.
Other names: c.1112T>C, p.Ile371Thr (NM_001126105.3, NM_001126106.4); short protein forms I371T.
Identifiers: ClinVar variation 529501 (VCV000529501.1), dbSNP rs1555320506, ClinGen allele CA388922704.